The following is an entry in ClinVar:

ClinVar aggregate classification (germline): Uncertain significance (1 of 4 stars; one submission).

Conditions:
Common variable immunodeficiency (CVID). Also called: Common variable hypogamma-globulinemia; Common variable agammaglobulinemia. Identifiers: Orphanet 1572, MedGen C0009447, MONDO:0015517.

Submission:

Labcorp Genetics (formerly Invitae), Labcorp
Classification: Uncertain significance for Common variable immunodeficiency. Last evaluated: 2019-11-26. Review status: criteria provided, single submitter. Criteria: Invitae Variant Classification Sherloc (09022015). Collection method: clinical testing. Allele origin: germline.
Comment: This sequence change replaces valine with alanine at codon 89 of the TNFSF12 protein (p.Val89Ala). The valine residue is moderately conserved and there is a small physicochemical difference between valine and alanine. This variant is not present in population databases (ExAC no frequency). This variant has not been reported in the literature in individuals with TNFSF12-related conditions. Algorithms developed to predict the effect of missense changes on protein structure and function output the following: SIFT: "Tolerated"; PolyPhen-2: "Benign"; Align-GVGD: "Class C0". The alanine amino acid residue is found in multiple mammalian species, suggesting that this missense change does not adversely affect protein function. These predictions have not been confirmed by published functional studies and their clinical significance is uncertain. In summary, the available evidence is currently insufficient to determine the role of this variant in disease. Therefore, it has been classified as a Variant of Uncertain Significance.

NM_003809.3(TNFSF12):c.266T>C (p.Val89Ala)

Genes: TNFSF12 (TNF superfamily member 12; plus strand), TNFSF12-TNFSF13 (TNFSF12-TNFSF13 readthrough; plus strand). Cytogenetic location: 17p13.1.
Variant type: single nucleotide variant.
Coding change: c.266T>C on transcript NM_003809.3 (MANE Select); coding-DNA position 266, T replaced by C.
Protein change: p.Val89Ala; replaces valine 89 with alanine.
Molecular consequence: missense variant. On other transcripts: non-coding transcript variant (1).
Genome position (GRCh38, 1-based): chr17:7,550,178, T>C. VCF-style: chr17-7550178-T-C. GRCh37 (hg19) VCF-style: chr17-7453495-T-C.
Other names: c.266T>C, p.Val89Ala (NM_172089.4); short protein forms V89A.
Identifiers: ClinVar variation 847767 (VCV000847767.1), dbSNP rs2070984742, ClinGen allele CA397856510.